The following is an entry in ClinVar:

NM_004415.4(DSP):c.6223C>T (p.Arg2075Trp)

Gene: DSP (desmoplakin; plus strand). Cytogenetic location: 6p24.3.
Variant type: single nucleotide variant.
Coding change: c.6223C>T on transcript NM_004415.4 (MANE Select); coding-DNA position 6223, C replaced by T.
Protein change: p.Arg2075Trp; replaces arginine 2075 with tryptophan.
Molecular consequence: missense variant.
Genome position (GRCh38, 1-based): chr6:7,583,485, C>T. VCF-style: chr6-7583485-C-T. GRCh37 (hg19) VCF-style: chr6-7583718-C-T.
Other names: c.4426C>T, p.Arg1476Trp (NM_001008844.3); c.4894C>T, p.Arg1632Trp (NM_001319034.2); short protein forms R2075W, R1476W, R1632W.
Identifiers: ClinVar variation 862390 (VCV000862390.19), dbSNP rs751050235, ClinGen allele CA047094.
Genomic context (GRCh38, chr6:7,583,485, plus strand): 5'-ACAGGTGGTATAATTGATCCCCATCGGAATGAGAAGCTGACTGTCGACAGTGCCATAGCT[C>T]GGGACCTCATTGACTTCGATGACCGTCAGCAGATATATGCAGCAGAAAAAGCTATCACTG-3'
Protein context (NP_004406.2, residues 2065-2085): EKLTVDSAIA[Arg2075Trp]DLIDFDDRQQ

ClinVar aggregate classification (germline): Conflicting classifications of pathogenicity. Review status: criteria provided, conflicting classifications (1 of 4 stars). 6 submissions from 6 submitters: Uncertain significance (5); Likely benign (1). Last evaluated 2026-02-18.

Conditions:
Cardiovascular phenotype. Identifiers: MedGen CN230736.
Arrhythmogenic right ventricular dysplasia 8 (ARVD8). Also called: Arrhythmogenic Right Ventricular Dysplasia/Cardiomyopathy 8; ARRHYTHMOGENIC RIGHT VENTRICULAR DYSPLASIA, FAMILIAL, 8; ARRHYTHMOGENIC RIGHT VENTRICULAR CARDIOMYOPATHY 8. Identifiers: MedGen C1843896, MONDO:0011831, OMIM 607450.
Cardiomyopathy, dilated, with wooly hair, keratoderma, and tooth agenesis. Also called: Erythrokeratodermia-cardiomyopathy syndrome; Cardiomyopathy, dilated, with woolly hair, keratoderma, and tooth agenesis. Identifiers: Orphanet 476096, Orphanet 65282, MedGen C4014393, MONDO:0014355, OMIM 615821.
Arrhythmogenic cardiomyopathy with wooly hair and keratoderma. Also called: PALMOPLANTAR KERATODERMA WITH LEFT VENTRICULAR CARDIOMYOPATHY AND WOOLLY HAIR; Dilated cardiomyopathy with woolly hair and keratoderma; Carvajal syndrome; Arrhythmogenic cardiomyopathy with woolly hair and keratoderma. Identifiers: Orphanet 65282, MedGen C1854063, MONDO:0011581, OMIM 605676.
Cardiomyopathy (CMYO). Also called: Cardiomyopathies. Identifiers: Orphanet 167848, MedGen C0878544, MONDO:0004994, HP:0001638. Inheritance: Various modes of inheritance.

Allele frequency attached by ClinVar (database versions not stated): gnomAD 0.00001; ExAC 0.00002; gnomAD exomes 0.00002.
gnomAD v4.1: 28 of 1,614,122 alleles (0.0017%); highest among the groups gnomAD compares: East Asian, 0.0022%; no homozygotes.

Submissions (6):

Dasa
Classification: Uncertain significance. Last evaluated: 2026-02-18. Review status: criteria provided, single submitter. Criteria: DASA Assertion Criteria. Collection method: clinical testing. Allele origin: germline.
Comment: NM_004415.4(DSP):c.6223C>T (p.Arg2075Trp) is a missense variant that results in the substitution of arginine with tryptophan. This variant has been reported in individuals with DSP-related disorders (PMID: 31064352). Also, this variant is rare in population databases. The currently available literature and clinical evidence are not sufficient to establish a definitive association between this variant and the reported condition. Therefore, this variant is classified as a variant of uncertain significance.

Labcorp Genetics (formerly Invitae), Labcorp
Classification: Likely benign for Arrhythmogenic cardiomyopathy with wooly hair and keratoderma; Arrhythmogenic right ventricular dysplasia 8. Last evaluated: 2025-06-24. Review status: criteria provided, single submitter. Criteria: Invitae Variant Classification Sherloc (09022015). Collection method: clinical testing. Allele origin: germline.

Color Diagnostics, LLC DBA Color Health
Classification: Uncertain significance for Cardiomyopathy. Last evaluated: 2025-02-10. Review status: criteria provided, single submitter. Criteria: ACMG Guidelines, 2015. Collection method: clinical testing. Allele origin: germline.
Comment: This missense variant replaces arginine with tryptophan at codon 2075 of the DSP protein. Computational prediction is inconclusive regarding the impact of this variant on protein structure and function. To our knowledge, functional studies have not been reported for this variant. This variant has been reported in an individual affected with restrictive cardiomyopathy (PMID: 31064352). This variant has been identified in 6/282328 chromosomes in the general population by the Genome Aggregation Database (gnomAD). The available evidence is insufficient to determine the role of this variant in disease conclusively. Therefore, this variant is classified as a Variant of Uncertain Significance.

Ambry Genetics
Classification: Uncertain significance for Cardiovascular phenotype. Last evaluated: 2024-12-03. Review status: criteria provided, single submitter. Criteria: Ambry Variant Classification Scheme 2023. Collection method: clinical testing. Allele origin: germline.
Comment: The p.R2075W variant (also known as c.6223C>T), located in coding exon 24 of the DSP gene, results from a C to T substitution at nucleotide position 6223. The arginine at codon 2075 is replaced by tryptophan, an amino acid with dissimilar properties. This variant has been reported in a pediatric cardiomyopathy cohort (Quan J et al. J Biomed Sci, 2019 May;26:32). This amino acid position is well conserved in available vertebrate species. In addition, the in silico prediction for this alteration is inconclusive. Based on the available evidence, the clinical significance of this variant remains unclear.

Clinical Genomics Laboratory, Stanford Medicine
Classification: Uncertain significance for Arrhythmogenic right ventricular dysplasia 8; Cardiomyopathy, dilated, with wooly hair, keratoderma, and tooth agenesis; Arrhythmogenic cardiomyopathy with wooly hair and keratoderma. Last evaluated: 2023-07-25. Review status: criteria provided, single submitter. Criteria: ACMG Guidelines, 2015. Collection method: clinical testing. Allele origin: germline. Observed: 1 variant allele, 1 heterozygote.
Comment: The p.Arg2075Trp variant in the DSP gene has been previously reported in an individual with restrictive cardiomyopathy (Quan et al., 2019).This variant has been identified in 5/128,816 European non-Finnish chromosomes (6/282,328 chromosomes overall) by the Genome Aggregation Database. This variant is present in ClinVar (Variation ID: VCV000862390.14). The arginine at position 2075 is evolutionarily conserved. Computational tools predict that the p.Arg2075Trp variant is deleterious; however, the accuracy of in silico algorithms is limited. These data were assessed using the ACMG/AMP variant interpretation guidelines. In summary, the significance of the p.Arg2075Trp variant is uncertain. Additional information is needed to resolve the significance of this variant. [ACMG evidence codes used: PM2; PP3]

Blueprint Genetics
Classification: Uncertain significance. Last evaluated: 2023-02-27. Review status: criteria provided, single submitter. Criteria: ACMG Guidelines, 2015. Collection method: clinical testing. Allele origin: germline.

Literature cited by the submitters: PubMed 31064352 (cited by 4 submitters).